The following is an entry in ClinVar:

ClinVar aggregate classification (germline): Likely pathogenic (1 of 4 stars; one submission).

Conditions:
TERT-related disorder. Also called: TERT-related disorders; TERT-related condition.

Submission:

PreventionGenetics, part of Exact Sciences
Classification: Likely pathogenic for TERT-related condition. Last evaluated: 2024-10-14. Review status: criteria provided, single submitter. Criteria: ACMG Guidelines, 2015. Collection method: clinical testing. Allele origin: germline.
Comment: The TERT c.1128_1129delCC variant is predicted to result in a frameshift and premature protein termination (p.Arg377Glnfs*161). To our knowledge, this variant has not been reported in the literature or in a large population database (gnomAD), indicating this variant is rare. Frameshift variants in TERT are expected to be pathogenic. This variant is interpreted as likely pathogenic.

NM_198253.3(TERT):c.1128_1129del (p.Arg377fs)

Gene: TERT (telomerase reverse transcriptase; minus strand). Cytogenetic location: 5p15.33.
Variant type: Deletion.
Coding change: c.1128_1129del on transcript NM_198253.3 (MANE Select); coding-DNA positions 1128 to 1129, 2 bases deleted (CC; older notation c.1128_1129delCC).
Protein change: p.Arg377fs; shifts the reading frame from arginine 377.
Molecular consequence: frameshift variant. On other transcripts: non-coding transcript variant (2).
Genome position (GRCh38, 1-based): chr5:1,293,757-1,293,758, GG deleted on the plus strand (CC on the coding strand, the reverse complement: TERT is on the minus strand); deleting any 2 consecutive bases within chr5:1,293,757-1,293,760 gives the same sequence; the c. name uses the placement nearest the transcript's 3' end. VCF-style (leftmost placement, unchanged base first): chr5-1293756-CGG-C. GRCh37 (hg19) VCF-style: chr5-1293871-CGG-C.
Other names: c.1128_1129delCC (NM_198253.2); c.1128_1129del, p.Arg377fs (NM_001193376.3); short protein forms R377fs.
Identifiers: ClinVar variation 5002388 (VCV005002388.1).
Genomic context (GRCh38, chr5:1,293,756, plus strand): 5'-AGCAGCTCCAGAAACAGGGGCCGCATTTGCCAGTAGCGCTGGGGCAGGCGGGGCAACCTG[CGG>C]GGAGTCCCTGGCATCCAGGGCCTGGAACCCAGAAAGATGGTCTCCACGAGCCTCCGAGCG-3'